The following is an entry in ClinVar:

ClinVar aggregate classification (germline): Pathogenic. Review status: criteria provided, multiple submitters, no conflicts (2 of 4 stars). 3 submissions from 3 submitters: Pathogenic (3). Last evaluated 2024-01-24.

Conditions:
Hereditary cancer-predisposing syndrome. Also called: Neoplastic Syndromes, Hereditary; Tumor predisposition; Hereditary neoplastic syndrome; Hereditary Cancer Syndrome. Identifiers: Orphanet 140162, MedGen C0027672, MeSH D009386, MONDO:0015356.
Hereditary breast ovarian cancer syndrome. Also called: Hereditary breast and ovarian cancer syndrome; Hereditary breast and ovarian cancer syndrome (HBOC); BRCA1- and BRCA2-Associated Hereditary Breast and Ovarian Cancer; Hereditary breast and/or ovarian cancer syndrome; Hereditary breast and ovarian cancer; Breast and ovarian cancer. Identifiers: Orphanet 145, MedGen C0677776, MeSH D061325, MONDO:0003582. Disease mechanism: loss of function.
Familial cancer of breast. Also called: BREAST CANCER, FAMILIAL; hereditary breast carcinoma; Hereditary breast cancer. Identifiers: Orphanet 227535, MedGen C0346153, MONDO:0016419, OMIM 114480. Disease mechanism: loss of function.

Submissions (3):

Baylor Genetics
Classification: Pathogenic for Familial cancer of breast. Last evaluated: 2024-01-24. Review status: criteria provided, single submitter. Criteria: ACMG Guidelines, 2015. Collection method: clinical testing. Allele origin: unknown.

Ambry Genetics
Classification: Pathogenic for Hereditary cancer-predisposing syndrome. Last evaluated: 2023-11-01. Review status: criteria provided, single submitter. Criteria: Ambry Variant Classification Scheme 2023. Collection method: clinical testing. Allele origin: germline.
Comment: The c.3165_3168delTCAA pathogenic mutation, located in coding exon 10 of the BRCA2 gene, results from a deletion of 4 nucleotides at nucleotide positions 3165 to 3168, causing a translational frameshift with a predicted alternate stop codon (p.N1055Kfs*4). This variant was identified in at least one Chinese individual with a personal history of epithelial ovarian cancer who underwent multi-gene panel testing for HBOC risk assessment (Shao D et al. Cancer Sci, 2020 Feb;111:647-657; You Y et al. Front Oncol, 2020 Mar;10:295). Additionally, this variant was identified amongst a cohort of 1836 Chinese prostate cancer patients and amongst a cohort of 158 individuals with pancreatic cancer (Zhu Y et al. J Natl Compr Canc Netw, 2021 Oct;20:54-62; Walker EJ et al. Oncologist, 2021 Nov;26:e1982-e1991). Of note, this alteration is also designated as c.3163_3166delAATC in the published literature. This variant is considered to be rare based on population cohorts in the Genome Aggregation Database (gnomAD). In addition to the clinical data presented in the literature, this alteration is expected to result in loss of function by premature protein truncation or nonsense-mediated mRNA decay. As such, this alteration is interpreted as a disease-causing mutation.

Labcorp Genetics (formerly Invitae), Labcorp
Classification: Pathogenic for Hereditary breast ovarian cancer syndrome. Last evaluated: 2022-11-02. Review status: criteria provided, single submitter. Criteria: Invitae Variant Classification Sherloc (09022015). Collection method: clinical testing. Allele origin: germline.
Comment: This variant has not been reported in the literature in individuals affected with BRCA2-related conditions. This variant is not present in population databases (gnomAD no frequency). For these reasons, this variant has been classified as Pathogenic. This sequence change creates a premature translational stop signal (p.Asn1055Lysfs*4) in the BRCA2 gene. It is expected to result in an absent or disrupted protein product. Loss-of-function variants in BRCA2 are known to be pathogenic (PMID: 20104584). ClinVar contains an entry for this variant (Variation ID: 579101).

Literature cited by the submitters: PubMed 31742824 (cited by Ambry Genetics); PubMed 32211327 (cited by Ambry Genetics); PubMed 34506673 (cited by Ambry Genetics); PubMed 34653963 (cited by Ambry Genetics); PubMed 20104584 (cited by Labcorp Genetics (formerly Invitae), Labcorp).

NM_000059.4(BRCA2):c.3165_3168del (p.Asn1055fs)

Gene: BRCA2 (BRCA2 DNA repair associated; plus strand). Cytogenetic location: 13q13.1.
Variant type: Deletion.
Coding change: c.3165_3168del on transcript NM_000059.4 (MANE Select); coding-DNA positions 3165 to 3168, 4 bases deleted (TCAA; older notation c.3165_3168delTCAA).
Protein change: p.Asn1055fs; shifts the reading frame from asparagine 1055.
Molecular consequence: frameshift variant.
Genome position (GRCh38, 1-based): chr13:32,337,520-32,337,523, TCAA deleted; deleting any 4 consecutive bases within chr13:32,337,518-32,337,523 gives the same sequence; the c. name uses the placement nearest the transcript's 3' end. VCF-style (leftmost placement, unchanged base first): chr13-32337517-TAATC-T. GRCh37 (hg19) VCF-style: chr13-32911654-TAATC-T.
Other names: c.3165_3168delTCAA (NM_000059.3); short protein forms N1055fs.
Identifiers: ClinVar variation 579101 (VCV000579101.13), dbSNP rs1566227892, ClinGen allele CA891844451.